The following is an entry in ClinVar:

ClinVar aggregate classification (germline): Benign/Likely benign. Review status: criteria provided, multiple submitters, no conflicts (2 of 4 stars). 2 submissions from 2 submitters: Benign (1); Likely benign (1). Last evaluated 2025-02-16.

Submissions (2):

Laboratory of Genetics, Children's Clinical University Hospital Latvia
Classification: Benign. Last evaluated: 2025-02-16. Review status: criteria provided, single submitter. Criteria: ACMG Guidelines, 2015. Collection method: clinical testing. Allele origin: germline. Affected: yes.

CeGaT Center for Human Genetics Tuebingen
Classification: Likely benign. Last evaluated: 2024-11-01. Review status: criteria provided, single submitter. Criteria: CeGaT Center For Human Genetics Tuebingen Variant Classification Criteria Version 2. Collection method: clinical testing. Allele origin: germline. Affected: yes. Observed: 1 variant allele.
Comment: SOX3: BS2

NM_005634.3(SOX3):c.1243G>A (p.Ala415Thr)

Gene: SOX3 (SRY-box transcription factor 3; minus strand). Cytogenetic location: Xq27.1.
Variant type: single nucleotide variant.
Coding change: c.1243G>A on transcript NM_005634.3 (MANE Select); coding-DNA position 1243, G replaced by A.
Protein change: p.Ala415Thr; replaces alanine 415 with threonine.
Molecular consequence: missense variant.
Genome position (GRCh38, 1-based): chrX:140,503,818, C>T on the plus strand (G>A on the coding strand, the complement: SOX3 is on the minus strand). VCF-style: chrX-140503818-C-T. GRCh37 (hg19) VCF-style: chrX-139585983-C-T.
Other names: short protein forms A415T.
Identifiers: ClinVar variation 3389294 (VCV003389294.15).